The following is an entry in ClinVar:

NM_152703.5(SAMD9L):c.3099T>A (p.His1033Gln)

Gene: SAMD9L (sterile alpha motif domain containing 9 like; minus strand). Cytogenetic location: 7q21.2.
Variant type: single nucleotide variant.
Coding change: c.3099T>A on transcript NM_152703.5 (MANE Select); coding-DNA position 3099, T replaced by A.
Protein change: p.His1033Gln; replaces histidine 1033 with glutamine.
Molecular consequence: missense variant.
Genome position (GRCh38, 1-based): chr7:93,132,873, A>T on the plus strand (T>A on the coding strand, the complement: SAMD9L is on the minus strand). VCF-style: chr7-93132873-A-T. GRCh37 (hg19) VCF-style: chr7-92762186-A-T.
Other names: c.3099T>A, p.His1033Gln (NM_001303496.3, NM_001303497.3, NM_001303498.3 and 5 more transcripts); short protein forms H1033Q.
Identifiers: ClinVar variation 4841992 (VCV004841992.1).
Genomic context (GRCh38, chr7:93,132,873, plus strand): 5'-AGTGTCTGTTTCATCTCCATACACCTTGCGCTGTCTTGTAAGCAGAAGAGTTTGAACATC[A>T]TGTTGAAATTTGTCTCTTCCTATTCCAGAATCATAGAATAAATTCTCTTCTAATATATTC-3'
Protein context (NP_689916.2, residues 1023-1043): DSGIGRDKFQ[His1033Gln]DVQTLLLTRQ

ClinVar aggregate classification (germline): Uncertain significance (1 of 4 stars; one submission).

Conditions:
Inborn genetic diseases. Identifiers: MedGen C0950123, MeSH D030342.

gnomAD v4.1: 2 of 1,613,772 alleles (0.00012%); highest among the groups gnomAD compares: Admixed American, 0.0033%; no homozygotes.

Submission:

Ambry Genetics
Classification: Uncertain significance for Inborn genetic diseases. Last evaluated: 2025-12-15. Review status: criteria provided, single submitter. Criteria: Ambry Variant Classification Scheme 2023. Collection method: clinical testing. Allele origin: germline.
Comment: The p.H1033Q variant (also known as c.3099T>A), located in coding exon 1 of the SAMD9L gene, results from a T to A substitution at nucleotide position 3099. The histidine at codon 1033 is replaced by glutamine, an amino acid with highly similar properties. This amino acid position is conserved. In addition, this alteration is predicted to be tolerated by in silico analysis. Based on the available evidence, the clinical significance of this variant remains unclear.